The following is an entry in ClinVar:

ClinVar aggregate classification (germline): Uncertain significance (1 of 4 stars; one submission).

Allele frequency attached by ClinVar (database versions not stated): gnomAD exomes below 0.00001; ExAC 0.00001; gnomAD 0.00001; TOPMed 0.00001.
gnomAD v4.1: 3 of 1,613,780 alleles (0.00019%); highest among the groups gnomAD compares: African/African-American, 0.0027%; no homozygotes.

Submission:

Labcorp Genetics (formerly Invitae), Labcorp
Classification: Uncertain significance. Last evaluated: 2023-12-22. Review status: criteria provided, single submitter. Criteria: Invitae Variant Classification Sherloc (09022015). Collection method: clinical testing. Allele origin: germline.
Comment: This sequence change falls in intron 9 of the PDE6C gene. It does not directly change the encoded amino acid sequence of the PDE6C protein. It affects a nucleotide within the consensus splice site. This variant is present in population databases (rs772729811, gnomAD 0.004%). This variant has not been reported in the literature in individuals affected with PDE6C-related conditions. ClinVar contains an entry for this variant (Variation ID: 2026863). Variants that disrupt the consensus splice site are a relatively common cause of aberrant splicing (PMID: 17576681, 9536098). Algorithms developed to predict the effect of sequence changes on RNA splicing suggest that this variant may disrupt the consensus splice site. In summary, the available evidence is currently insufficient to determine the role of this variant in disease. Therefore, it has been classified as a Variant of Uncertain Significance.

Literature cited by the submitters: PubMed 17576681; PubMed 9536098.

NM_006204.4(PDE6C):c.1269+5G>A

Gene: PDE6C (phosphodiesterase 6C; plus strand). Cytogenetic location: 10q23.33.
Variant type: single nucleotide variant.
Coding change: c.1269+5G>A on transcript NM_006204.4 (MANE Select); 5 bases into the intron after coding-DNA position 1269, G replaced by A.
Molecular consequence: intron variant.
Genome position (GRCh38, 1-based): chr10:93,634,912, G>A. VCF-style: chr10-93634912-G-A. GRCh37 (hg19) VCF-style: chr10-95394669-G-A.
Identifiers: ClinVar variation 2026863 (VCV002026863.4), dbSNP rs772729811, ClinGen allele CA5610121.